The following is an entry in ClinVar:

NM_000254.3(MTR):c.2101del (p.Tyr701fs)

Gene: MTR (5-methyltetrahydrofolate-homocysteine methyltransferase; plus strand). Cytogenetic location: 1q43.
Variant type: Deletion.
Coding change: c.2101del on transcript NM_000254.3 (MANE Select); coding-DNA position 2101, one base deleted (T; older notation c.2101delT).
Protein change: p.Tyr701fs; shifts the reading frame from tyrosine 701.
Molecular consequence: frameshift variant. On other transcripts: intron variant (1).
Genome position (GRCh38, 1-based): chr1:236,861,182, T deleted. VCF-style (leftmost placement, unchanged base first): chr1-236861181-AT-A. GRCh37 (hg19) VCF-style: chr1-237024481-AT-A.
Other names: c.880del, p.Tyr294fs (NM_001291940.2); c.2044-1054del (NM_001291939.1); short protein forms Y294fs, Y701fs.
Identifiers: ClinVar variation 1447405 (VCV001447405.9), dbSNP rs762727293, ClinGen allele CA1474295.

ClinVar aggregate classification (germline): Pathogenic. Review status: criteria provided, multiple submitters, no conflicts (2 of 4 stars). 2 submissions from 2 submitters: Pathogenic (2). Last evaluated 2026-08-06.

Conditions:
Neural tube defects, folate-sensitive (NTDFS). Also called: NTD, FOLATE-SENSITIVE. Identifiers: Orphanet 823, MedGen C1866558, MONDO:0011120, OMIM 601634.
Methylcobalamin deficiency type cblG (HMAG). Also called: HOMOCYSTINURIA-MEGALOBLASTIC ANEMIA, cblG TYPE; Functional methionine synthase deficiency type cblG; HOMOCYSTINURIA-MEGALOBLASTIC ANEMIA, cblG COMPLEMENTATION TYPE; HOMOCYSTINURIA-MEGALOBLASTIC ANEMIA DUE TO DEFECT IN COBALAMIN METABOLISM, cblG COMPLEMENTATION TYPE. Identifiers: Orphanet 2170, Orphanet 622, MedGen C1855128, MONDO:0009609, OMIM 250940.

Allele frequency attached by ClinVar (database versions not stated): TOPMed 0.00001; gnomAD exomes 0.00002 and 0.00003; gnomAD 0.00002 and 0.00001; ExAC 0.00003; ESP Exome Variant Server 0.00008.

Submissions (2):

OLLIN Analises Genomicas, OLLIN
Classification: Pathogenic for Neural tube defects, folate-sensitive. Last evaluated: 2026-08-06. Review status: criteria provided, single submitter. Criteria: ACMG Guidelines 2015 PMID 25741868. Collection method: clinical testing. Allele origin: germline. Inheritance: Autosomal recessive inheritance.
Comment: This frameshift variant, located in exon 20 (of 33), has been reported in ClinVar (accession VCV001447405.8), in gnomAD with an allele frequency of 0.0018%, and in the scientific literature, in compound heterozygosity, in individuals with MTR related disorders (PMID: 12068375). This variant causes a frameshift and introduces a premature stop codon, which is predicted to result in either a truncated protein or degradation of the mRNA via nonsense-mediated decay (NMD). According to the currently available evidence, this variant has been classified as pathogenic (PVS1, PM2_P, PM3).

Labcorp Genetics (formerly Invitae), Labcorp
Classification: Pathogenic for Methylcobalamin deficiency type cblG. Last evaluated: 2025-06-04. Review status: criteria provided, single submitter. Criteria: Invitae Variant Classification Sherloc (09022015). Collection method: clinical testing. Allele origin: germline.
Comment: This sequence change creates a premature translational stop signal (p.Tyr701Ilefs*7) in the MTR gene. It is expected to result in an absent or disrupted protein product. Loss-of-function variants in MTR are known to be pathogenic (PMID: 9683607, 12068375). This variant is present in population databases (rs762727293, gnomAD 0.007%). This premature translational stop signal has been observed in individual(s) with homocystinuria due to cobalamin G deficiency (PMID: 12068375). ClinVar contains an entry for this variant (Variation ID: 1447405). For these reasons, this variant has been classified as Pathogenic.

Literature cited by the submitters: PubMed 12068375 (cited by OLLIN Analises Genomicas, OLLIN and Labcorp Genetics (formerly Invitae), Labcorp); PubMed 9683607 (cited by Labcorp Genetics (formerly Invitae), Labcorp).